The following is an entry in ClinVar:

NM_000231.3(SGCG):c.172C>A (p.Leu58Ile)

Gene: SGCG (sarcoglycan gamma; plus strand). Cytogenetic location: 13q12.12.
Variant type: single nucleotide variant.
Coding change: c.172C>A on transcript NM_000231.3 (MANE Select); coding-DNA position 172, C replaced by A.
Protein change: p.Leu58Ile; replaces leucine 58 with isoleucine.
Molecular consequence: missense variant.
Genome position (GRCh38, 1-based): chr13:23,203,866, C>A. VCF-style: chr13-23203866-C-A. GRCh37 (hg19) VCF-style: chr13-23778005-C-A.
Other names: c.226C>A, p.Leu76Ile (NM_001378244.1); c.172C>A, p.Leu58Ile (NM_001378245.1, NM_001378246.1); short protein forms L58I, L76I.
Identifiers: ClinVar variation 583364 (VCV000583364.9), dbSNP rs752310028, ClinGen allele CA387502823.

ClinVar aggregate classification (germline): Uncertain significance (1 of 4 stars; one submission).

Conditions:
Autosomal recessive limb-girdle muscular dystrophy type 2C (LGMDR5). Also called: MUSCULAR DYSTROPHY, LIMB-GIRDLE, AUTOSOMAL RECESSIVE 5; MUSCULAR DYSTROPHY, DUCHENNE-LIKE. Identifiers: Orphanet 353, MedGen C0410173, MONDO:0009677, OMIM 253700. Disease mechanism: Affects gamma-sarcoglycan and also disrupts the integrity of the entire sarcoglycan complex..

Submission:

Labcorp Genetics (formerly Invitae), Labcorp
Classification: Uncertain significance for Autosomal recessive limb-girdle muscular dystrophy type 2C. Last evaluated: 2020-02-17. Review status: criteria provided, single submitter. Criteria: Invitae Variant Classification Sherloc (09022015). Collection method: clinical testing. Allele origin: germline.
Comment: This sequence change replaces leucine with isoleucine at codon 58 of the SGCG protein (p.Leu58Ile). The leucine residue is highly conserved and there is a small physicochemical difference between leucine and isoleucine. This variant is not present in population databases (ExAC no frequency). This variant has not been reported in the literature in individuals with SGCG-related disease. Algorithms developed to predict the effect of missense changes on protein structure and function are either unavailable or do not agree on the potential impact of this missense change (SIFT: "Tolerated"; PolyPhen-2: "Possibly Damaging"; Align-GVGD: "Class C0"). In summary, the available evidence is currently insufficient to determine the role of this variant in disease. Therefore, it has been classified as a Variant of Uncertain Significance.